The following is an entry in ClinVar:

NM_000092.5(COL4A4):c.3214+2T>A

Gene: COL4A4 (collagen type IV alpha 4 chain; minus strand). Cytogenetic location: 2q36.3.
Variant type: single nucleotide variant.
Coding change: c.3214+2T>A on transcript NM_000092.5 (MANE Select); the canonical splice donor site of the intron after coding-DNA position 3214, T replaced by A.
Molecular consequence: splice donor variant.
Genome position (GRCh38, 1-based): chr2:227,050,066, A>T on the plus strand (T>A on the coding strand, the complement: COL4A4 is on the minus strand). VCF-style: chr2-227050066-A-T. GRCh37 (hg19) VCF-style: chr2-227914782-A-T.
Identifiers: ClinVar variation 2637157 (VCV002637157.6), dbSNP rs778161679, ClinGen allele CA350838782.
Genomic context (GRCh38, chr2:227,050,066, plus strand): 5'-CAATGTTATAAACATTCGGGACTATGCATTTGACAGATGGCTTCTGTATCTCCAAACCAT[A>T]CCTTTAGGTCCTCTTGCTCCATCAATTCCTGAAAATCCAGGGGGACCTGGAGAACCTGGC-3'

ClinVar aggregate classification (germline): Likely pathogenic. Review status: criteria provided, multiple submitters, no conflicts (2 of 4 stars). 4 submissions from 4 submitters: Likely pathogenic (4). Last evaluated 2025-02-18.

Conditions:
COL4A4-related disorder.
Hematuria, benign familial, 1 (BFH1). Also called: THIN MEMBRANE NEPHROPATHY. Identifiers: MedGen CN376803, MONDO:0007709, OMIM 141200.
Autosomal recessive Alport syndrome (ATS2). Also called: COL4A4 Alport Syndrome and Thin Basement Membrane Nephropathy; ALPORT SYNDROME 2, AUTOSOMAL RECESSIVE; COL4A3-Related Nephropathy; Alport syndrome type 2. Identifiers: Orphanet 63, Orphanet 88919, MedGen C4746745, MONDO:0008762, OMIM 203780.
Alport syndrome. Also called: Hemorrhagic familial nephritis; Hemorrhagic hereditary nephritis; Congenital hereditary hematuria. Identifiers: Orphanet 63, MedGen C1567741, MONDO:0018965.

Allele frequency attached by ClinVar (database versions not stated): gnomAD 0.00001; TOPMed 0.00002.
gnomAD v4.1: 2 of 1,613,700 alleles (0.00012%); highest among the groups gnomAD compares: African/African-American, 0.0027%; no homozygotes.

Submissions (4):

Natera, Inc.
Classification: Likely pathogenic for Alport syndrome. Last evaluated: 2025-02-18. Review status: criteria provided, single submitter. Criteria: Natera Variant Classification Schema (03/2026). Collection method: clinical testing. Allele origin: germline.
Comment: The c.3214+2T>A variant in COL4A4 is a canonical splice donor site variant predicted to affect pre-mRNA splicing, which may result in an abnormal transcript and altered protein product. This variant is expected to result in nonsense mediated decay, truncation, or a dysfunctional protein product. This variant is rare in the general population with a frequency below the threshold expected for the associated phenotype(s). Given the available evidence, this variant is classified as Likely Pathogenic.

Fulgent Genetics
Classification: Likely pathogenic for Hematuria, benign familial, 1; Autosomal recessive Alport syndrome. Last evaluated: 2024-04-22. Review status: criteria provided, single submitter. Criteria: ACMG Guidelines, 2015. Collection method: clinical testing. Allele origin: germline.

Labcorp Genetics (formerly Invitae), Labcorp
Classification: Likely pathogenic. Last evaluated: 2024-02-05. Review status: criteria provided, single submitter. Criteria: Invitae Variant Classification Sherloc (09022015). Collection method: clinical testing. Allele origin: germline.
Comment: This sequence change affects a donor splice site in intron 34 of the COL4A4 gene. It is expected to disrupt RNA splicing. Variants that disrupt the donor or acceptor splice site typically lead to a loss of protein function (PMID: 16199547), and loss-of-function variants in COL4A4 are known to be pathogenic (PMID: 21196518, 24854265, 25307543). This variant is not present in population databases (gnomAD no frequency). This variant has not been reported in the literature in individuals affected with COL4A4-related conditions. ClinVar contains an entry for this variant (Variation ID: 2637157). Algorithms developed to predict the effect of sequence changes on RNA splicing suggest that this variant may disrupt the consensus splice site. In summary, the currently available evidence indicates that the variant is pathogenic, but additional data are needed to prove that conclusively. Therefore, this variant has been classified as Likely Pathogenic.

PreventionGenetics, part of Exact Sciences
Classification: Likely pathogenic for COL4A4-related condition. Last evaluated: 2022-09-20. Review status: criteria provided, single submitter. Criteria: ACMG Guidelines, 2015. Collection method: clinical testing. Allele origin: germline.
Comment: The COL4A4 c.3214+2T>A variant is predicted to disrupt the GT donor site and interfere with normal splicing. To our knowledge, this variant has not been reported in the literature or in a large population database, indicating this variant is rare. Variants that disrupt the consensus splice donor site in COL4A4 are expected to be pathogenic. This variant is interpreted as likely pathogenic.

Literature cited by the submitters: PubMed 16199547 (cited by Labcorp Genetics (formerly Invitae), Labcorp); PubMed 21196518 (cited by Labcorp Genetics (formerly Invitae), Labcorp); PubMed 24854265 (cited by Labcorp Genetics (formerly Invitae), Labcorp); PubMed 25307543 (cited by Labcorp Genetics (formerly Invitae), Labcorp).